The following is an entry in ClinVar:

ClinVar aggregate classification (germline): Uncertain significance (1 of 4 stars; one submission).

Submission:

GeneDx
Classification: Uncertain significance. Last evaluated: 2026-05-01. Review status: criteria provided, single submitter. Criteria: GeneDx Variant Classification Process June 2021. Collection method: clinical testing. Allele origin: germline.
Comment: Not observed at significant frequency in large population cohorts (gnomAD); In silico analysis supports that this missense variant has a deleterious effect on protein structure/function; Has not been previously published as pathogenic or benign to our knowledge

NM_003590.5(CUL3):c.1810C>T (p.Leu604Phe)

Gene: CUL3 (cullin 3; minus strand). Cytogenetic location: 2q36.2.
Variant type: single nucleotide variant.
Coding change: c.1810C>T on transcript NM_003590.5 (MANE Select); coding-DNA position 1810, C replaced by T.
Protein change: p.Leu604Phe; replaces leucine 604 with phenylalanine.
Molecular consequence: missense variant.
Genome position (GRCh38, 1-based): chr2:224,495,864, G>A on the plus strand (C>T on the coding strand, the complement: CUL3 is on the minus strand). VCF-style: chr2-224495864-G-A. GRCh37 (hg19) VCF-style: chr2-225360581-G-A.
Other names: c.1612C>T, p.Leu538Phe (NM_001257197.2); c.1828C>T, p.Leu610Phe (NM_001257198.2); short protein forms L538F, L604F, L610F.
Identifiers: ClinVar variation 3343222 (VCV003343222.2).